The following is an entry in ClinVar:

ClinVar aggregate classification (germline): Benign (1 of 4 stars; one submission).

Conditions:
Melanoma-pancreatic cancer syndrome. Identifiers: Orphanet 404560, MedGen C1838547, MONDO:0011713, OMIM 606719. Disease mechanism: loss of function.

gnomAD v4.1: 1 of 1,606,376 alleles (0.000062%); highest among the groups gnomAD compares: Non-Finnish European, 0.000085%; no homozygotes.

Submission:

Myriad Genetics, Inc.
Classification: Benign for Melanoma-pancreatic cancer syndrome. Last evaluated: 2025-08-12. Review status: criteria provided, single submitter. Criteria: Myriad Autosomal Dominant, Autosomal Recessive and X-Linked Classification Criteria (2023). Collection method: clinical testing. Allele origin: unknown.
Comment: This variant is considered benign. This variant is a silent/synonymous amino acid change and it is not expected to impact splicing.

NM_058195.4(CDKN2A):c.99G>A (p.Glu33=)

Gene: CDKN2A (cyclin dependent kinase inhibitor 2A; minus strand). Cytogenetic location: 9p21.3.
Variant type: single nucleotide variant.
Coding change: c.99G>A on transcript NM_058195.4 (MANE Plus Clinical); coding-DNA position 99, G replaced by A.
Protein change: p.Glu33=; no amino-acid change (glutamic acid 33 retained).
Molecular consequence: synonymous variant. On other transcripts: intron variant (1).
Genome position (GRCh38, 1-based): chr9:21,994,233, C>T on the plus strand (G>A on the coding strand, the complement: CDKN2A is on the minus strand). VCF-style: chr9-21994233-C-T. GRCh37 (hg19) VCF-style: chr9-21994232-C-T.
Other names: c.-4+588G>A (NM_001363763.2).
Identifiers: ClinVar variation 4294184 (VCV004294184.1).